The following is an entry in ClinVar:

ClinVar aggregate classification (germline): Conflicting classifications of pathogenicity. Review status: criteria provided, conflicting classifications (1 of 4 stars). 4 submissions from 4 submitters: Uncertain significance (1); Likely benign (2). 1 of the submissions does not count toward it. Last evaluated 2025-11-01.

Conditions:
GNAS-related disorder. Identifiers: MedGen CN380105.

Allele frequency attached by ClinVar (database versions not stated): gnomAD exomes 0.00005; ExAC 0.00012; TOPMed 0.00009; gnomAD 0.00011.

Submissions (4):

CeGaT Center for Human Genetics Tuebingen
Classification: Likely benign. Last evaluated: 2025-11-01. Review status: criteria provided, single submitter. Criteria: CeGaT Center For Human Genetics Tuebingen Variant Classification Criteria Version 2. Collection method: clinical testing. Allele origin: germline. Affected: yes. Observed: 1 variant allele.
Comment: GNAS: BP4

Blueprint Genetics
Classification: Likely benign. Last evaluated: 2024-11-26. Review status: criteria provided, single submitter. Criteria: ACMG Guidelines, 2015. Collection method: clinical testing. Allele origin: germline.

GeneDx
Classification: Uncertain significance. Last evaluated: 2023-02-16. Review status: criteria provided, single submitter. Criteria: GeneDx Variant Classification Process June 2021. Collection method: clinical testing. Allele origin: germline. Affected: yes.
Comment: Nucleotide substitution has no predicted effect on splicing and is not conserved across species; Reported using an alternate transcript of the gene; Has not been previously published as pathogenic or benign to our knowledge

PreventionGenetics, part of Exact Sciences
Classification: Likely benign for GNAS-related condition. Last evaluated: 2019-12-17. Review status: no assertion criteria provided. Collection method: clinical testing. Allele origin: germline. Not counted in ClinVar's aggregate classification.
Comment: This variant is classified as likely benign based on ACMG/AMP sequence variant interpretation guidelines (Richards et al. 2015 PMID: 25741868, with internal and published modifications).

NM_080425.4(GNAS):c.1686C>T (p.Arg562=)

Gene: GNAS (GNAS complex locus; plus strand). Cytogenetic location: 20q13.32.
Variant type: single nucleotide variant.
Coding change: c.1686C>T on transcript NM_080425.4 (MANE Plus Clinical); coding-DNA position 1686, C replaced by T.
Protein change: p.Arg562=; no amino-acid change (arginine 562 retained).
Molecular consequence: synonymous variant. On other transcripts: missense variant (2), intron variant (3).
Genome position (GRCh38, 1-based): chr20:58,854,951, C>T. VCF-style: chr20-58854951-C-T. GRCh37 (hg19) VCF-style: chr20-57430006-C-T.
Other names: c.1499C>T, p.Ala500Val (NM_001077490.3, NM_001309883.1); c.1686C>T, p.Arg562= (NM_001410913.1); c.*42+14065C>T (NM_016592.5); c.43+14065C>T (NM_001410912.1); c.-39+13076C>T (NM_001309861.2); short protein forms A500V.
Identifiers: ClinVar variation 2577583 (VCV002577583.9), dbSNP rs747759524, ClinGen allele CA9926738.